The following is an entry in ClinVar:

NM_022835.3(PLEKHG2):c.3878G>A (p.Arg1293Gln)

Gene: PLEKHG2 (pleckstrin homology and RhoGEF domain containing G2; plus strand). Cytogenetic location: 19q13.2.
Variant type: single nucleotide variant.
Coding change: c.3878G>A on transcript NM_022835.3 (MANE Select); coding-DNA position 3878, G replaced by A.
Protein change: p.Arg1293Gln; replaces arginine 1293 with glutamine.
Molecular consequence: missense variant. On other transcripts: intron variant (2).
Genome position (GRCh38, 1-based): chr19:39,425,011, G>A. VCF-style: chr19-39425011-G-A. GRCh37 (hg19) VCF-style: chr19-39915651-G-A.
Other names: c.3572+129G>A (NM_001351693.2); c.1678-227G>A (NM_001351694.2); c.3878G>A (NM_022835.2); short protein forms R1293Q.
Identifiers: ClinVar variation 1369416 (VCV001369416.5), dbSNP rs200571314, ClinGen allele CA9430077.
Genomic context (GRCh38, chr19:39,425,011, plus strand): 5'-ATGCAGCTGCCCTCTCCAGATACCTGGCAGCCTCATATATCAGCCAGAGCCTGGCTCGGC[G>A]GCAGGGGCCTGGGGGAGGGGCCCCCGCAGCCTCCCGGGGCTCCTGGTCCTCTGCTCCCAC-3'
Protein context (NP_073746.2, residues 1283-1303): ASYISQSLAR[Arg1293Gln]QGPGGGAPAA

ClinVar aggregate classification (germline): Uncertain significance. Review status: criteria provided, multiple submitters, no conflicts (2 of 4 stars). 2 submissions from 2 submitters: Uncertain significance (2). Last evaluated 2025-01-15.

Allele frequency attached by ClinVar (database versions not stated): gnomAD 0.00006; TOPMed 0.00007; ESP Exome Variant Server 0.00015.

Submissions (2):

Labcorp Genetics (formerly Invitae), Labcorp
Classification: Uncertain significance. Last evaluated: 2025-01-15. Review status: criteria provided, single submitter. Criteria: Invitae Variant Classification Sherloc (09022015). Collection method: clinical testing. Allele origin: germline.
Comment: This sequence change replaces arginine, which is basic and polar, with glutamine, which is neutral and polar, at codon 1293 of the PLEKHG2 protein (p.Arg1293Gln). This variant is present in population databases (rs200571314, gnomAD 0.02%). This variant has not been reported in the literature in individuals affected with PLEKHG2-related conditions. ClinVar contains an entry for this variant (Variation ID: 1369416). An algorithm developed to predict the effect of missense changes on protein structure and function (PolyPhen-2) suggests that this variant is likely to be disruptive. In summary, the available evidence is currently insufficient to determine the role of this variant in disease. Therefore, it has been classified as a Variant of Uncertain Significance.

Ambry Genetics
Classification: Uncertain significance. Last evaluated: 2022-06-29. Review status: criteria provided, single submitter. Criteria: Ambry Variant Classification Scheme 2023. Collection method: clinical testing. Allele origin: germline.